The following is an entry in ClinVar:

ClinVar aggregate classification (germline): Pathogenic (1 of 4 stars; one submission).

Conditions:
Aniridia 1 (AN1). Identifiers: Orphanet 250923, MedGen C0344542, MONDO:0024507, OMIM 106210.
Irido-corneo-trabecular dysgenesis (ASGD5). Also called: ANTERIOR SEGMENT DYSGENESIS 5. Identifiers: Orphanet 708, MedGen C0344559, MONDO:0011414, OMIM 604229, HP:0000659.

Submission:

Labcorp Genetics (formerly Invitae), Labcorp
Classification: Pathogenic for Aniridia 1; Irido-corneo-trabecular dysgenesis. Last evaluated: 2025-04-22. Review status: criteria provided, single submitter. Criteria: Invitae Variant Classification Sherloc (09022015). Collection method: clinical testing. Allele origin: germline.
Comment: This sequence change creates a premature translational stop signal (p.Tyr296Valfs*71) in the PAX6 gene. It is expected to result in an absent or disrupted protein product. Loss-of-function variants in PAX6 are known to be pathogenic (PMID: 12634864). This variant is not present in population databases (gnomAD no frequency). This variant has not been reported in the literature in individuals affected with PAX6-related conditions. For these reasons, this variant has been classified as Pathogenic.

Literature cited by the submitters: PubMed 12634864.

NM_001368894.2(PAX6):c.923_927dup (p.Tyr310fs)

Gene: PAX6 (paired box 6; minus strand). Cytogenetic location: 11p13.
Variant type: Duplication.
Coding change: c.923_927dup on transcript NM_001368894.2 (MANE Select); coding-DNA positions 923 to 927, 5 bases duplicated (GTGTC; older notation c.923_927dupGTGTC).
Protein change: p.Tyr310fs; shifts the reading frame from tyrosine 310.
Molecular consequence: frameshift variant. On other transcripts: non-coding transcript variant (2).
Genome position (GRCh38, 1-based): chr11:31,793,683-31,793,687, GACAC duplicated on the plus strand (GTGTC on the coding strand, the reverse complement: PAX6 is on the minus strand). VCF-style (leftmost placement, unchanged base first): chr11-31793682-A-AGACAC. GRCh37 (hg19) VCF-style: chr11-31815230-A-AGACAC.
Other names: c.881_885dup, p.Tyr296fs (NM_000280.6, NM_001127612.3, NM_001258464.2 and 10 more transcripts); c.923_927dup, p.Tyr310fs (NM_001258462.3, NM_001258463.2, NM_001310158.2 and 6 more transcripts); c.473_477dup, p.Tyr160fs (NM_001310160.2, NM_001310161.3, NM_001368899.2 and 11 more transcripts); c.1124_1128dup, p.Tyr377fs (NM_001368910.2); c.926_930dup, p.Tyr311fs (NM_001368911.2); c.998_1002dup, p.Tyr335fs (NM_001368918.2, NM_001368919.2); c.956_960dup, p.Tyr321fs (NM_001368920.2); c.722_726dup, p.Tyr243fs (NM_001368921.2, NM_001368922.2, NM_001368923.2 and 4 more transcripts); and 2 more; short protein forms Y335fs, Y95fs, Y229fs, Y243fs, Y311fs, Y377fs, Y160fs, Y296fs.
Identifiers: ClinVar variation 4784794 (VCV004784794.1).